The following is an entry in ClinVar:

Conditions:
Breast-ovarian cancer, familial, susceptibility to, 1 (BROVCA1). Also called: BRCA1 Hereditary Breast and Ovarian Cancer; OVARIAN CANCER, SUSCEPTIBILITY TO. Identifiers: Orphanet 145, MedGen C2676676, MONDO:0011450, OMIM 604370. Disease mechanism: loss of function.

Submission:

Brotman Baty Institute, University of Washington
No classification provided (evidence only). Condition: Breast-ovarian cancer, familial 1. Review status: no classification provided. Collection method: in vitro. Allele origin: not applicable. Functional consequence: functionally_normal.
ClinVar note: "not provided" was previously submitted as the classification for the variant. However, the classification appeared to be based only on an observation of functional data so it was converted to no classification on 2025-07-30.

NM_007294.4(BRCA1):c.5456A>C (p.Asn1819Thr)

Gene: BRCA1 (BRCA1 DNA repair associated; minus strand). Cytogenetic location: 17q21.31.
Variant type: single nucleotide variant.
Coding change: c.5456A>C on transcript NM_007294.4 (MANE Select); coding-DNA position 5456, A replaced by C.
Protein change: p.Asn1819Thr; replaces asparagine 1819 with threonine.
Molecular consequence: missense variant. On other transcripts: non-coding transcript variant (1).
Genome position (GRCh38, 1-based): chr17:43,047,654, T>G on the plus strand (A>C on the coding strand, the complement: BRCA1 is on the minus strand). VCF-style: chr17-43047654-T-G. GRCh37 (hg19) VCF-style: chr17-41199671-T-G.
Other names: c.5450A>C, p.Asn1817Thr (NM_001407639.1, NM_001407640.1, NM_001407641.1 and 13 more transcripts); c.5378A>C, p.Asn1793Thr (NM_001407655.1, NM_001407652.1, NM_001407653.1 and 1 more transcripts); c.5375A>C, p.Asn1792Thr (NM_001407656.1, NM_001407657.1, NM_001407658.1); c.5372A>C, p.Asn1791Thr (NM_001407659.1, NM_001407660.1, NM_001407661.1 and 2 more transcripts); c.5330A>C, p.Asn1777Thr (NM_001407674.1, NM_001407675.1, NM_001407676.1 and 8 more transcripts); c.5327A>C, p.Asn1776Thr (NM_001407681.1, NM_001407682.1, NM_001407683.1 and 6 more transcripts); c.5315A>C, p.Asn1772Thr (NM_001407694.1, NM_001407695.1, NM_001407696.1 and 12 more transcripts); c.5312A>C, p.Asn1771Thr (NM_001407738.1, NM_001407739.1, NM_001407740.1 and 18 more transcripts); and 83 more; short protein forms N1840T, N1772T, N1819T, N715T, Q690H, N1731T, N1752T, N1770T.
Identifiers: ClinVar variation 868909 (VCV000868909.3), dbSNP rs80357286, ClinGen allele CA10590468.
Genomic context (GRCh38, chr17:43,047,654, plus strand): 5'-ACCCATGCAAAAGGACCCCATATAGCACAGGTACATGCAGGCACCTTACCATGGAAGCCA[T>G]TGTCCTCTGTCCAGGCATCTGGCTGCACAACCACAATTGGGTGGACACCCTGGATCCCCA-3'
Protein context (NP_009225.1, residues 1809-1829): VVQPDAWTED[Asn1819Thr]GFHAIGQMCE